The following is an entry in ClinVar:

NM_000540.3(RYR1):c.13503G>A (p.Pro4501=)

Gene: RYR1 (ryanodine receptor 1; plus strand). Cytogenetic location: 19q13.2.
Variant type: single nucleotide variant.
Coding change: c.13503G>A on transcript NM_000540.3 (MANE Select); coding-DNA position 13503, G replaced by A.
Protein change: p.Pro4501=; no amino-acid change (proline 4501 retained).
Molecular consequence: synonymous variant.
Genome position (GRCh38, 1-based): chr19:38,566,976, G>A. VCF-style: chr19-38566976-G-A. GRCh37 (hg19) VCF-style: chr19-39057616-G-A.
Other names: p.Pro4501=; c.13488G>A, p.Pro4496= (NM_001042723.2).
Identifiers: ClinVar variation 133049 (VCV000133049.32), dbSNP rs2960319, ClinGen allele CA024051.

ClinVar aggregate classification (germline): Benign/Likely benign. Review status: criteria provided, multiple submitters, no conflicts (2 of 4 stars). 16 submissions from 14 submitters: Benign (11); Likely benign (2). 3 of the submissions do not count toward it. Last evaluated 2026-02-04.

Conditions:
RYR1-related disorder. Also called: RYR1-related disorders; RYR1-related condition. Identifiers: MedGen CN239331.
Congenital multicore myopathy with external ophthalmoplegia (CMYO1B). Also called: MULTICORE MYOPATHY; Minicore myopathy with external ophthalmoplegia; Congenital myopathy 1B, autosomal recessive; Minicore myopathy; MULTIMINICORE DISEASE WITH EXTERNAL OPHTHALMOPLEGIA. Identifiers: Orphanet 598, Orphanet 98905, MedGen C1850674, MONDO:0009712, OMIM 255320, HP:0003789.
King Denborough syndrome (KDS). Identifiers: MedGen C1840365, MONDO:0020485, OMIM 619542.
Central core myopathy (CMYO1A). Also called: Central core disease; Myopathy, central fibrillar; CONGENITAL MYOPATHY 1A, AUTOSOMAL DOMINANT, WITH SUSCEPTIBILITY TO MALIGNANT HYPERTHERMIA. Identifiers: Orphanet 597, MedGen C5830701, MONDO:0007294, OMIM 117000.
Congenital myopathy with fiber type disproportion. Also called: Congenital fiber-type disproportion myopathy; Congenital fiber-type disproportion. Identifiers: Orphanet 2020, MedGen C0546264, MONDO:0009711. Inheritance: all.
Malignant hyperthermia, susceptibility to, 1 (MHS1). Also called: RYR1-Related Malignant Hyperthermia Susceptibility; Malignant hyperthermia suceptibility 1; Anesthesia related hyperthermia; Malignant hyperpyrexia; Fulminating hyperpyrexia; Pharmacogenic myopathy. Identifiers: Orphanet 423, MedGen C2930980, MONDO:0007783, OMIM 145600.

Allele frequency attached by ClinVar (database versions not stated): gnomAD exomes 0.00185 and 0.00497; ExAC 0.01030; gnomAD 0.01843 and 0.01964; TOPMed 0.01975; ESP Exome Variant Server 0.01978; 1000 Genomes Project 0.02236; 1000 Genomes Project 30x 0.02358.
gnomAD v4.1: 5,641 of 1,596,478 alleles (0.35%); highest among the groups gnomAD compares: African/African-American, 6.1%; 148 homozygotes.

Submissions (16):

Labcorp Genetics (formerly Invitae), Labcorp
Classification: Benign for RYR1-related disorder. Last evaluated: 2026-02-04. Review status: criteria provided, single submitter. Criteria: Invitae Variant Classification Sherloc (09022015). Collection method: clinical testing. Allele origin: germline.

Color Diagnostics, LLC DBA Color Health
Classification: Benign for Malignant hyperthermia, susceptibility to, 1. Last evaluated: 2022-08-17. Review status: criteria provided, single submitter. Criteria: ACMG Guidelines, 2015. Collection method: clinical testing. Allele origin: germline.

Fulgent Genetics
Classification: Likely benign for Central core myopathy; Malignant hyperthermia, susceptibility to, 1; Congenital myopathy 4A, autosomal dominant; Congenital multicore myopathy with external ophthalmoplegia; King Denborough syndrome. Last evaluated: 2021-08-13. Review status: criteria provided, single submitter. Criteria: ACMG Guidelines, 2015. Collection method: clinical testing. Allele origin: unknown.

Athena Diagnostics
Classification: Benign. Last evaluated: 2019-02-25. Review status: criteria provided, single submitter. Criteria: Athena Diagnostics Criteria. Collection method: clinical testing. Allele origin: germline.

PreventionGenetics, part of Exact Sciences
Classification: Benign. Last evaluated: 2018-04-02. Review status: criteria provided, single submitter. Criteria: ACMG Guidelines, 2015. Collection method: clinical testing. Allele origin: germline.

Illumina Laboratory Services, Illumina
Classification: Benign for Malignant hyperthermia, susceptibility to, 1. Last evaluated: 2018-01-13. Review status: criteria provided, single submitter. Criteria: ICSL Variant Classification Criteria 13 December 2019. Collection method: clinical testing. Allele origin: germline.
Comment: This variant was observed in the ICSL laboratory as part of a predisposition screen in an ostensibly healthy population. It had not been previously curated by ICSL or reported in the Human Gene Mutation Database (HGMD: prior to June 1st, 2018), and was therefore a candidate for classification through an automated scoring system. Utilizing variant allele frequency, disease prevalence and penetrance estimates, and inheritance mode, an automated score was calculated to assess if this variant is too frequent to cause the disease. Based on the score and internal cut-off values, a variant classified as benign is not then subjected to further curation. The score for this variant resulted in a classification of benign for this disease.

Illumina Laboratory Services, Illumina
Classification: Benign for Central core myopathy. Last evaluated: 2018-01-13. Review status: criteria provided, single submitter. Criteria: ICSL Variant Classification Criteria 13 December 2019. Collection method: clinical testing. Allele origin: germline.
Comment: the same text as in the submission from Illumina Laboratory Services, Illumina above.

Illumina Laboratory Services, Illumina
Classification: Benign for Congenital multicore myopathy with external ophthalmoplegia. Last evaluated: 2018-01-13. Review status: criteria provided, single submitter. Criteria: ICSL Variant Classification Criteria 13 December 2019. Collection method: clinical testing. Allele origin: germline.
Comment: the same text as in the submission from Illumina Laboratory Services, Illumina above.

Mayo Clinic Laboratories, Mayo Clinic
Classification: Benign. Last evaluated: 2017-11-22. Review status: criteria provided, single submitter. Criteria: ACMG Guidelines, 2015. Collection method: clinical testing. Allele origin: germline. Observed: 17 variant alleles.

GeneDx
Classification: Benign. Last evaluated: 2016-03-29. Review status: criteria provided, single submitter. Criteria: GeneDx Variant Classification (06012015). Collection method: clinical testing. Allele origin: germline. Affected: yes.
Comment: This variant is considered likely benign or benign based on one or more of the following criteria: it is a conservative change, it occurs at a poorly conserved position in the protein, it is predicted to be benign by multiple in silico algorithms, and/or has population frequency not consistent with disease.

Eurofins Ntd Llc (ga)
Classification: Benign. Last evaluated: 2014-04-02. Review status: criteria provided, single submitter. Criteria: EGL Classification Definitions 2015. Collection method: clinical testing. Allele origin: germline. Observed: 2 variant alleles, 2 heterozygotes.

Genetic Services Laboratory, University of Chicago
Classification: Benign. Last evaluated: 2013-02-08. Review status: criteria provided, single submitter. Criteria: ACMG Guidelines, 2007. Collection method: clinical testing. Allele origin: germline. Inheritance: Autosomal unknown.

Breakthrough Genomics
Classification: Likely benign. Review status: criteria provided, single submitter. Criteria: ACMG Guidelines, 2015. Collection method: not provided. Allele origin: germline. Inheritance: Autosomal recessive inheritance. Affected: yes.

Joint Genome Diagnostic Labs from Nijmegen and Maastricht, Radboudumc and MUMC+
Classification: Benign. Review status: no assertion criteria provided. Collection method: clinical testing. Allele origin: germline. Affected: yes. Study: VKGL Data-share Consensus. Not counted in ClinVar's aggregate classification.

Laboratory of Diagnostic Genome Analysis, Leiden University Medical Center (LUMC)
Classification: Likely benign. Review status: no assertion criteria provided. Collection method: clinical testing. Allele origin: germline. Affected: yes. Study: VKGL Data-share Consensus. Not counted in ClinVar's aggregate classification.

RYR1 database
No classification provided. Review status: no classification provided. Collection method: not provided. Allele origin: unknown. Not counted in ClinVar's aggregate classification.